The following is an entry in ClinVar:

ClinVar aggregate classification (germline): Likely pathogenic. Review status: reviewed by expert panel (3 of 4 stars). 2 submissions from 2 submitters: Likely pathogenic (1). 1 of the submissions does not count toward it. Last evaluated 2025-09-22.

Conditions:
Juvenile retinoschisis (RS1). Also called: X-linked retinoschisis; X-Linked Juvenile Retinoschisis. Identifiers: Orphanet 792, MedGen C3714753, MONDO:0010725, OMIM 312700.
RS1-related disorder. Also called: RS1-related condition.

Submissions (2):

ClinGen X-linked Inherited Retinal Disease Variant Curation Expert Panel, ClinGen
Classification: Likely pathogenic for Juvenile retinoschisis. Last evaluated: 2025-09-22. Review status: reviewed by expert panel. Criteria: ClinGen X LinkedIRD ACMG Specifications RS1 V1.0.0. Collection method: curation. Allele origin: germline. Inheritance: X-linked inheritance.
Comment: NM_000330.4(RS1):c.422G>T (p.Arg141Leu) is a missense variant encoding the substitution of arginine with leucine at amino acid 141. Another missense variant in the same codon, NM_000330.4(RS1):c.422G>A (p.Arg141His), (PMID: 29851975, PMID: 34645606, PMID: 30450322, PMID: 29739629, PMID: 35984651, PMID: 30652005, PMID: 19093009, PMID: 30630865, PMID: 30040949, PMID: 17525175, PMID: 30630865, PMID: 30040949) has been classified as pathogenic for X-linked retinoschisis by the ClinGen X-linked IRD VCEP, while no benign missense variants have been identified in this codon. The present variant has a higher Grantham’s distance (102) than the comparison variant (29), and SpliceAI has been used to confirm that neither variant has a predicted impact on RS1 splicing (PM5). This variant is absent from hemizygous individuals in gnomAD v4.1.0 (PM2_Supporting). This variant has been reported in at least 3 apparently unrelated probands meeting one of the PS4 requirements of a male diagnosed with X-linked retinoschisis (PMID: 34645606, PMID: 28771251, PMID: 34822951, PMID: 38219857, PS4_Moderate). The computational predictor REVEL gives a score of 0.939, which is above the ClinGen X-linked IRD VCEP threshold of >0.932 and predicts a damaging effect on RS1 function (PP3_Strong). The computational splicing predictor SpliceAI gives a delta score of 0.02 for acceptor loss, which is below the ClinGen X-linked IRD VCEP threshold of >0.2 and does not predict that the variant disrupts RS1 splicing. In summary, this variant is classified as likely pathogenic for X-linked Retinoschisis based on the ClinGen X-linked Inherited Retinal Disease Expert Panel Specifications to the ACMG/AMP Variant Interpretation Guidelines for RS1 Version 1.0.0: PM2_Supporting, PP3_Strong, PM5, and PS4_Moderate.

Blueprint Genetics
Classification: Likely pathogenic for RS1-related disorders. Last evaluated: 2019-09-27. Review status: criteria provided, single submitter. Criteria: ACMG Guidelines, 2015. Collection method: clinical testing. Allele origin: germline. Affected: yes. Observed: 1 variant allele. Not counted in ClinVar's aggregate classification.

NM_000330.4(RS1):c.422G>T (p.Arg141Leu)

Genes: CDKL5 (cyclin dependent kinase like 5; plus strand), RS1 (retinoschisin 1; minus strand). Cytogenetic location: Xp22.13.
Variant type: single nucleotide variant.
Coding change: c.422G>T on transcript NM_000330.4 (MANE Select); coding-DNA position 422, G replaced by T.
Protein change: p.Arg141Leu; replaces arginine 141 with leucine.
Molecular consequence: missense variant. On other transcripts: intron variant (2).
Genome position (GRCh38, 1-based): chrX:18,644,530, C>A on the plus strand (G>T on the coding strand, the complement: RS1 is on the minus strand). VCF-style: chrX-18644530-C-A. GRCh37 (hg19) VCF-style: chrX-18662650-C-A.
Other names: NM_003159.3:c.2714-1477C>A; c.2714-1477C>A (NM_003159.3, NM_001037343.2); short protein forms R141L.
Identifiers: ClinVar variation 4279568 (VCV004279568.2).